The following is an entry in ClinVar:

NM_000138.5(FBN1):c.1545_1546inv (p.Cys515_Arg516delinsTrpGly)

Gene: FBN1 (fibrillin 1; minus strand). Cytogenetic location: 15q21.1.
Variant type: Inversion.
Coding change: c.1545_1546inv on transcript NM_000138.5 (MANE Select).
Protein change: p.Cys515_Arg516delinsTrpGly.
Molecular consequence: missense variant.
Genome position: GRCh38 VCF-style: chr15-48513591-GG-CC. GRCh37 (hg19) VCF-style: chr15-48805788-GG-CC.
Other names: c.1545_1546invCC, p.Cys515_Arg516delinsTrpGly (NM_001406716.1); c.1545_1546delinsGG (NM_000138.4).
Identifiers: ClinVar variation 2428649 (VCV002428649.4), ClinGen allele CA658683057.
Genomic context (GRCh38, chr15:48,513,591, plus strand): 5'-CAGGAGCCAGGACCATACCTCGGCATTCTGTCCGCGTGAGTGTGCTCTGATATCCAGCTC[GG>CC]CACTGACAGGTGTACGAACCCTGGTTGTTAATACACTCACCACCAGCACAGGGGTTTTTC-3'

ClinVar aggregate classification (germline): Pathogenic/Likely pathogenic. Review status: criteria provided, multiple submitters, no conflicts (2 of 4 stars). 2 submissions from 2 submitters: Pathogenic (1); Likely pathogenic (1). Last evaluated 2023-07-18.

Submissions (2):

GeneDx
Classification: Likely pathogenic. Last evaluated: 2023-07-18. Review status: criteria provided, single submitter. Criteria: GeneDx Variant Classification Process June 2021. Collection method: clinical testing. Allele origin: germline. Affected: yes.
Comment: Affects a cysteine residue within a calcium-binding EGF-like domain of the FBN1 gene, which may affect disulfide bonding and is predicted to alter the structure and function of the protein; cysteine substitutions in the calcium-binding EGF-like domains represent the majority of pathogenic missense changes associated with FBN1-related disorders (Collod-Beroud et al., 2003); Identified in a patient with ascending aortic dissection and ectopia lentis and was identified in 7 other family members with ocular and/or cardiovascular features of Marfan syndrome; however, skeletal features were not present in any members of this family (Villamizer et al., 2010); Not observed at significant frequency in large population cohorts (gnomAD); In silico analysis supports a deleterious effect on protein structure/function; This variant is associated with the following publications: (PMID: 10486319, 12938084, 19941982)

ARUP Laboratories, Molecular Genetics and Genomics, ARUP Laboratories
Classification: Pathogenic. Last evaluated: 2022-04-21. Review status: criteria provided, single submitter. Criteria: ARUP Molecular Germline Variant Investigation Process 2021. Collection method: clinical testing. Allele origin: germline.
Comment: The FBN1 c.1545_1546delinsGG; p.Cys515_Arg516delinsTrpGly variant is reported in the literature to segregate with a clinical diagnosis of Marfan syndrome in a large family (Villamizar 2010). This variant is absent from the Genome Aggregation Database, indicating it is not a common polymorphism. This variant involves a cysteine residue in one of the calcium binding EGF-like domains of fibrillin-1 (Wu 1995). Each EGF-like domain contains six highly-conserved cysteines and the disulfide bridges formed between these residues are essential for protein folding; loss of one of these cysteines may interfere with proper disulfide bridge formation, disrupting protein structure. Accordingly, the revised Ghent nosology for Marfan syndrome lists loss of cysteine residues as one of the criteria for classification of a variant as pathogenic (Loeys 2010). Based on available information, this variant is considered to be pathogenic. References: Loeys BL et al. The revised Ghent nosology for the Marfan syndrome. J Med Genet. 2010 Jul;47(7):476-85. PMID: 20591885. Villamizar C et al. Paucity of skeletal manifestations in Hispanic families with FBN1 mutations. Eur J Med Genet. 2010 Mar-Apr;53(2):80-4. PMID: 19941982. Wu YS et al. Fibrillin domain folding and calcium binding: significance to Marfan syndrome. Chem Biol. 1995 Feb;2(2):91-7. PMID: 9383409.